The following is an entry in ClinVar:

ClinVar aggregate classification (germline): Pathogenic (1 of 4 stars; one submission).

Conditions:
Hypodontia. Also called: Partial congenital absence of teeth; TOOTH AGENESIS, FAMILIAL; Tooth agenesis, selective. Identifiers: Orphanet 99798, MedGen C0020608, MONDO:0005486, HP:0000668. Disease mechanism: loss of function.

Submission:

Labcorp Genetics (formerly Invitae), Labcorp
Classification: Pathogenic for Hypodontia. Last evaluated: 2023-02-16. Review status: criteria provided, single submitter. Criteria: Invitae Variant Classification Sherloc (09022015). Collection method: clinical testing. Allele origin: unknown.
Comment: This variant is a gross deletion of the genomic region encompassing exon(s) 4 of the PAX9 gene. While this deletion is not anticipated to lead to nonsense mediated decay, it is expected to disrupt the C-terminus of the protein. This variant has not been reported in the literature in individuals affected with PAX9-related conditions. This variant disrupts a region of the PAX9 protein in which other variant(s) (p.Val265Argfs*52) have been determined to be pathogenic (PMID: 11827258; Invitae). This suggests that this is a clinically significant region of the protein, and that variants that disrupt it are likely to be disease-causing. For these reasons, this variant has been classified as Pathogenic.

Literature cited by the submitters: PubMed 11827258.

NC_000014.8:g.(?_37135647)_(37135826_?)del

Gene: PAX9 (paired box 9; plus strand). Cytogenetic location: 14q13.3.
Variant type: Deletion.
Identifiers: ClinVar variation 3243943 (VCV003243943.1).